The following is an entry in ClinVar:

NM_002069.6(GNAI1):c.65del (p.Asn22fs)

Gene: GNAI1 (G protein subunit alpha i1; plus strand). Cytogenetic location: 7q21.11.
Variant type: Deletion.
Coding change: c.65del on transcript NM_002069.6 (MANE Select); coding-DNA position 65, one base deleted (A; older notation c.65delA).
Protein change: p.Asn22fs; shifts the reading frame from asparagine 22.
Molecular consequence: frameshift variant.
Genome position (GRCh38, 1-based): chr7:80,135,225, A deleted; the last of 2 consecutive A bases (chr7:80,135,224-80,135,225); deleting either gives the same sequence. VCF-style (leftmost placement, unchanged base first): chr7-80135223-CA-C. GRCh37 (hg19) VCF-style: chr7-79764539-CA-C.
Other names: short protein forms N22fs.
Identifiers: ClinVar variation 5037468 (VCV005037468.1).
Genomic context (GRCh38, chr7:80,135,223, plus strand): 5'-GGGCTGCACGCTGAGCGCCGAGGACAAGGCGGCGGTGGAGCGGAGTAAGATGATCGACCG[CA>C]ACCTCCGTGAGGACGGCGAGAAGGCGGCGCGCGAGGTCAAGCTGCTGCTGCTCGGTAAGG-3'

ClinVar aggregate classification (germline): Uncertain significance (1 of 4 stars; one submission).

Submission:

GeneDx
Classification: Uncertain significance. Last evaluated: 2026-04-24. Review status: criteria provided, single submitter. Criteria: GeneDx Variant Classification Process June 2021. Collection method: clinical testing. Allele origin: germline.
Comment: Not observed at significant frequency in large population cohorts (gnomAD); Frameshift variant predicted to result in protein truncation or nonsense mediated decay in a gene or region of a gene for which loss of function is not a well-established mechanism of disease; Has not been previously published as pathogenic or benign to our knowledge